The following is an entry in ClinVar:

ClinVar aggregate classification (germline): Pathogenic (1 of 4 stars; one submission).

Conditions:
Tuberous sclerosis 1 (TSC1). Identifiers: Orphanet 805, MedGen C1854465, MONDO:0008612, OMIM 191100.

Submission:

Labcorp Genetics (formerly Invitae), Labcorp
Classification: Pathogenic for Tuberous sclerosis 1. Last evaluated: 2022-08-09. Review status: criteria provided, single submitter. Criteria: Invitae Variant Classification Sherloc (09022015). Collection method: clinical testing. Allele origin: germline.
Comment: For these reasons, this variant has been classified as Pathogenic. ClinVar contains an entry for this variant (Variation ID: 1072063). This variant has not been reported in the literature in individuals affected with TSC1-related conditions. This variant is not present in population databases (gnomAD no frequency). This sequence change creates a premature translational stop signal (p.Gly132*) in the TSC1 gene. It is expected to result in an absent or disrupted protein product. Loss-of-function variants in TSC1 are known to be pathogenic (PMID: 10227394, 17304050).

Literature cited by the submitters: PubMed 10227394; PubMed 17304050.

NM_000368.5(TSC1):c.393_405del (p.Thr131_Gly132insTer)

Gene: TSC1 (TSC complex subunit 1; minus strand). Cytogenetic location: 9q34.13.
Variant type: Deletion.
Coding change: c.393_405del on transcript NM_000368.5 (MANE Select); coding-DNA positions 393 to 405, 13 bases deleted (AGGCGTCTTGGTG).
Protein change: p.Thr131_Gly132insTer.
Molecular consequence: frameshift variant.
Genome position (GRCh38, 1-based): chr9:132,923,451-132,923,463, CACCAAGACGCCT deleted on the plus strand (AGGCGTCTTGGTG on the coding strand, the reverse complement: TSC1 is on the minus strand). VCF-style (leftmost placement, unchanged base first): chr9-132923450-ACACCAAGACGCCT-A. GRCh37 (hg19) VCF-style: chr9-135798837-ACACCAAGACGCCT-A.
Other names: c.393_405del, p.Thr131_Gly132insTer (NM_001162426.2); c.240_252del, p.Thr80_Gly81insTer (NM_001162427.2); c.30_42del, p.Thr10_Gly11insTer (NM_001362177.2).
Identifiers: ClinVar variation 1072063 (VCV001072063.7), dbSNP rs2132191644, ClinGen allele CA2499219735.